The following is an entry in ClinVar:

NM_004260.4(RECQL4):c.111G>T (p.Glu37Asp)

Genes: RECQL4 (RecQ like helicase 4; minus strand), LOC130001411 (ATAC-STARR-seq lymphoblastoid silent region 19699; plus strand). Cytogenetic location: 8q24.3.
Variant type: single nucleotide variant.
Coding change: c.111G>T on transcript NM_004260.4 (MANE Select); coding-DNA position 111, G replaced by T.
Protein change: p.Glu37Asp; replaces glutamic acid 37 with aspartic acid.
Molecular consequence: missense variant. On other transcripts: 5 prime UTR variant (17), non-coding transcript variant (3), intron variant (1).
Genome position (GRCh38, 1-based): chr8:144,517,609, C>A on the plus strand (G>T on the coding strand, the complement: RECQL4 is on the minus strand). VCF-style: chr8-144517609-C-A. GRCh37 (hg19) VCF-style: chr8-145742993-C-A.
Other names: c.111G>T, p.Glu37Asp (NM_001413017.1, NM_001413018.1, NM_001413019.1 and 5 more transcripts); c.-610G>T (NM_001413021.1); c.-961G>T (NM_001413022.1, NM_001413023.1, NM_001413037.1 and 2 more transcripts); c.-858G>T (NM_001413024.1, NM_001413035.1); c.-1023G>T (NM_001413027.1, NM_001413030.1, NM_001413031.1 and 1 more transcripts); c.-686G>T (NM_001413028.1); c.-920G>T (NM_001413032.1); c.-865G>T (NM_001413034.1); and 3 more; short protein forms E37D.
Identifiers: ClinVar variation 3944320 (VCV003944320.1).

ClinVar aggregate classification (germline): Uncertain significance (1 of 4 stars; one submission).

Conditions:
Inborn genetic diseases. Identifiers: MedGen C0950123, MeSH D030342.

Submission:

Ambry Genetics
Classification: Uncertain significance for Inborn genetic diseases. Last evaluated: 2025-05-15. Review status: criteria provided, single submitter. Criteria: Ambry Variant Classification Scheme 2023. Collection method: clinical testing. Allele origin: germline.
Comment: The p.E37D variant (also known as c.111G>T), located in coding exon 2 of the RECQL4 gene, results from a G to T substitution at nucleotide position 111. The glutamic acid at codon 37 is replaced by aspartic acid, an amino acid with highly similar properties. This amino acid position is conserved. In addition, this alteration is predicted to be tolerated by in silico analysis. Based on the available evidence, the clinical significance of this variant remains unclear.